The following is an entry in ClinVar:

ClinVar aggregate classification (germline): Benign. Review status: criteria provided, multiple submitters, no conflicts (2 of 4 stars). 2 submissions from 2 submitters: Benign (2). Last evaluated 2018-01-13.

Conditions:
Orthostatic hypotension 1 (ORTHYP1). Also called: Dopamine beta-hydroxylase deficiency; Orthostatic hypotension 1, due to DBH deficiency; NORADRENALINE DEFICIENCY; NOREPINEPHRINE DEFICIENCY. Identifiers: Orphanet 230, MedGen C4746777, MONDO:0009123, OMIM 223360.

Allele frequency attached by ClinVar (database versions not stated): TOPMed 0.06457; gnomAD 0.06633; 1000 Genomes Project 0.08566.

Submissions (2):

Illumina Laboratory Services, Illumina
Classification: Benign for Orthostatic hypotension 1. Last evaluated: 2018-01-13. Review status: criteria provided, single submitter. Criteria: ICSL Variant Classification Criteria 13 December 2019. Collection method: clinical testing. Allele origin: germline.
Comment: This variant was observed in the ICSL laboratory as part of a predisposition screen in an ostensibly healthy population. It had not been previously curated by ICSL or reported in the Human Gene Mutation Database (HGMD: prior to June 1st, 2018), and was therefore a candidate for classification through an automated scoring system. Utilizing variant allele frequency, disease prevalence and penetrance estimates, and inheritance mode, an automated score was calculated to assess if this variant is too frequent to cause the disease. Based on the score and internal cut-off values, a variant classified as benign is not then subjected to further curation. The score for this variant resulted in a classification of benign for this disease.

Breakthrough Genomics
Classification: Benign. Review status: criteria provided, single submitter. Criteria: ACMG Guidelines, 2015. Collection method: not provided. Allele origin: germline. Inheritance: Autosomal recessive inheritance. Affected: yes.

NM_000787.4(DBH):c.*390G>A

Gene: DBH (dopamine beta-hydroxylase; plus strand). Cytogenetic location: 9q34.2.
Variant type: single nucleotide variant.
Coding change: c.*390G>A on transcript NM_000787.4 (MANE Select); 390 bases downstream of the stop codon, G replaced by A.
Molecular consequence: 3 prime UTR variant.
Genome position (GRCh38, 1-based): chr9:133,658,837, G>A. VCF-style: chr9-133658837-G-A. GRCh37 (hg19) VCF-style: chr9-136523959-G-A.
Identifiers: ClinVar variation 365688 (VCV000365688.6), dbSNP rs13306304, ClinGen allele CA10633107.